The following is an entry in ClinVar:

ClinVar aggregate classification (germline): Likely benign (1 of 4 stars; one submission).

Conditions:
Deficiency of malonyl-CoA decarboxylase. Also called: Malonic aciduria; MCD deficiency. Identifiers: Orphanet 943, MedGen C0342793, MONDO:0009556, OMIM 248360.

Allele frequency attached by ClinVar (database versions not stated): gnomAD 0.00075 and 0.00078; 1000 Genomes Project 30x 0.00078; 1000 Genomes Project 0.00080; TOPMed 0.00089; gnomAD exomes 0.00119.
gnomAD v4.1: 1,482 of 1,321,384 alleles (0.11%); highest among the groups gnomAD compares: Non-Finnish European, 0.14%; 3 homozygotes.

Submission:

Illumina Laboratory Services, Illumina
Classification: Likely benign for Deficiency of malonyl-CoA decarboxylase. Last evaluated: 2018-01-13. Review status: criteria provided, single submitter. Criteria: ICSL Variant Classification Criteria 13 December 2019. Collection method: clinical testing. Allele origin: germline.
Comment: This variant was observed in the ICSL laboratory as part of a predisposition screen in an ostensibly healthy population. It had not been previously curated by ICSL or reported in the Human Gene Mutation Database (HGMD: prior to June 1st, 2018), and was therefore a candidate for classification through an automated scoring system. Utilizing variant allele frequency, disease prevalence and penetrance estimates, and inheritance mode, an automated score was calculated to assess if this variant is too frequent to cause the disease. Based on the score and internal cut-off values, a variant classified as likely benign is not then subjected to further curation. The score for this variant resulted in a classification of likely benign for this disease.

NM_012213.3(MLYCD):c.*288G>T

Gene: MLYCD (malonyl-CoA decarboxylase; plus strand). Cytogenetic location: 16q23.3.
Variant type: single nucleotide variant.
Coding change: c.*288G>T on transcript NM_012213.3 (MANE Select); 288 bases downstream of the stop codon, G replaced by T.
Molecular consequence: 3 prime UTR variant.
Genome position (GRCh38, 1-based): chr16:83,915,777, G>T. VCF-style: chr16-83915777-G-T. GRCh37 (hg19) VCF-style: chr16-83949382-G-T.
Identifiers: ClinVar variation 320751 (VCV000320751.5), dbSNP rs542680156, ClinGen allele CA10644377.